The following is an entry in ClinVar:

NM_018897.3(DNAH7):c.6507T>C (p.Pro2169=)

Gene: DNAH7 (dynein axonemal heavy chain 7; minus strand). Cytogenetic location: 2q32.3.
Variant type: single nucleotide variant.
Coding change: c.6507T>C on transcript NM_018897.3 (MANE Select); coding-DNA position 6507, T replaced by C.
Protein change: p.Pro2169=; no amino-acid change (proline 2169 retained).
Molecular consequence: synonymous variant.
Genome position (GRCh38, 1-based): chr2:195,872,376, A>G on the plus strand (T>C on the coding strand, the complement: DNAH7 is on the minus strand). VCF-style: chr2-195872376-A-G. GRCh37 (hg19) VCF-style: chr2-196737100-A-G.
Identifiers: ClinVar variation 2651776 (VCV002651776.24), dbSNP rs2469823569, ClinGen allele CA430539393.

ClinVar aggregate classification (germline): Likely benign (1 of 4 stars; one submission).

Submission:

CeGaT Center for Human Genetics Tuebingen
Classification: Likely benign. Last evaluated: 2023-01-01. Review status: criteria provided, single submitter. Criteria: CeGaT Center For Human Genetics Tuebingen Variant Classification Criteria Version 2. Collection method: clinical testing. Allele origin: germline. Affected: yes. Observed: 1 variant allele.
Comment: DNAH7: PM2:Supporting, BP4, BP7